The following is an entry in ClinVar:

NM_000334.4(SCN4A):c.215dup (p.Pro73fs)

Gene: SCN4A (sodium voltage-gated channel alpha subunit 4; minus strand). Cytogenetic location: 17q23.3.
Variant type: Duplication.
Coding change: c.215dup on transcript NM_000334.4 (MANE Select); coding-DNA position 215, one base duplicated (C; older notation c.215dupC).
Protein change: p.Pro73fs; shifts the reading frame from proline 73.
Molecular consequence: frameshift variant.
Genome position (GRCh38, 1-based): chr17:63,972,627, G duplicated on the plus strand (C on the coding strand, the reverse complement: SCN4A is on the minus strand); the first of 6 consecutive G bases (chr17:63,972,627-63,972,632); duplicating any one gives the same sequence. VCF-style (leftmost placement, unchanged base first): chr17-63972626-C-CG. GRCh37 (hg19) VCF-style: chr17-62049986-C-CG.
Other names: short protein forms P73fs.
Identifiers: ClinVar variation 849707 (VCV000849707.8), dbSNP rs1909650741, ClinGen allele CA916083622.

ClinVar aggregate classification (germline): Pathogenic (1 of 4 stars; one submission).

Conditions:
Hyperkalemic periodic paralysis. Also called: Familial hyperkalemic periodic paralysis; Gamstorp disease. Identifiers: Orphanet 682, MedGen C0238357, MONDO:0008224, OMIM 170500, HP:0007215.

Submission:

Labcorp Genetics (formerly Invitae), Labcorp
Classification: Pathogenic for Hyperkalemic periodic paralysis. Last evaluated: 2019-02-14. Review status: criteria provided, single submitter. Criteria: Invitae Variant Classification Sherloc (09022015). Collection method: clinical testing. Allele origin: germline.
Comment: This sequence change creates a premature translational stop signal (p.Pro73Alafs*18) in the SCN4A gene. It is expected to result in an absent or disrupted protein product. This variant is not present in population databases (ExAC no frequency). For these reasons, this variant has been classified as Pathogenic. Loss-of-function variants in SCN4A are known to be pathogenic (PMID: 26700687). This variant has not been reported in the literature in individuals with SCN4A-related conditions.

Literature cited by the submitters: PubMed 26700687.